The following is an entry in ClinVar:

NM_130468.4(CHST14):c.43G>T (p.Ala15Ser)

Genes: CHST14 (carbohydrate sulfotransferase 14; plus strand), LOC130056851 (ATAC-STARR-seq lymphoblastoid silent region 6336; plus strand). Cytogenetic location: 15q15.1.
Variant type: single nucleotide variant.
Coding change: c.43G>T on transcript NM_130468.4 (MANE Select); coding-DNA position 43, G replaced by T.
Protein change: p.Ala15Ser; replaces alanine 15 with serine.
Molecular consequence: missense variant.
Genome position (GRCh38, 1-based): chr15:40,471,256, G>T. VCF-style: chr15-40471256-G-T. GRCh37 (hg19) VCF-style: chr15-40763455-G-T.
Other names: short protein forms A15S.
Identifiers: ClinVar variation 1740320 (VCV001740320.2), dbSNP rs1235160320, ClinGen allele CA391761901.

ClinVar aggregate classification (germline): Uncertain significance (1 of 4 stars; one submission).

Conditions:
Cardiovascular phenotype. Identifiers: MedGen CN230736.

Allele frequency attached by ClinVar (database versions not stated): gnomAD exomes below 0.00001.

Submission:

Ambry Genetics
Classification: Uncertain significance for Cardiovascular phenotype. Last evaluated: 2022-08-07. Review status: criteria provided, single submitter. Criteria: Ambry Variant Classification Scheme 2023. Collection method: clinical testing. Allele origin: germline.
Comment: The p.A15S variant (also known as c.43G>T), located in coding exon 1 of the CHST14 gene, results from a G to T substitution at nucleotide position 43. The alanine at codon 15 is replaced by serine, an amino acid with similar properties. This amino acid position is conserved. In addition, this alteration is predicted to be tolerated by in silico analysis. Since supporting evidence is limited at this time, the clinical significance of this alteration remains unclear.